The following is an entry in ClinVar:

ClinVar aggregate classification (germline): Likely pathogenic (0 of 4 stars; one submission).

Conditions:
Imerslund-Grasbeck syndrome. Also called: PERNICIOUS ANEMIA, JUVENILE, DUE TO SELECTIVE INTESTINAL MALABSORPTION OF VITAMIN B12, WITH PROTEINURIA; Megaloblastic anemia due to inborn errors of metabolism; Imerslund-Gräsbeck syndrome; ENTEROCYTE COBALAMIN MALABSORPTION; ENTEROCYTE INTRINSIC FACTOR RECEPTOR, DEFECT OF. Identifiers: Orphanet 35858, MedGen C4551825, MONDO:0009853.

Submission:

Juha Muilu Group; Institute for Molecular Medicine Finland (FIMM)
Classification: Likely pathogenic for Megaloblastic anemia due to inborn errors of metabolism. Review status: no assertion criteria provided. Collection method: not provided. Allele origin: unknown.
Comment: FinDis database variant: This variant was not found or characterized by our laboratory, data were collected from public sources: see reference
ClinVar note: Converted during submission from probable-pathogenic to Likely pathogenic.

NM_030943.4(AMN):c.295+1del

Gene: AMN (amnion associated transmembrane protein; plus strand). Cytogenetic location: 14q32.32.
Variant type: Deletion.
Coding change: c.295+1del on transcript NM_030943.4 (MANE Select); the canonical splice donor site of the intron after coding-DNA position 295, one base deleted (G; older notation c.295+1delG).
Molecular consequence: splice donor variant.
Genome position (GRCh38, 1-based): chr14:102,928,514, G deleted; the last of 3 consecutive G bases (chr14:102,928,512-102,928,514); deleting any one gives the same sequence. VCF-style (leftmost placement, unchanged base first): chr14-102928511-CG-C. GRCh37 (hg19) VCF-style: chr14-103394848-CG-C.
Other names: c.295delG (NM_030943.3).
Identifiers: ClinVar variation 56752 (VCV000056752.2), dbSNP rs386834171, ClinGen allele CA144410.
Genomic context (GRCh38, chr14:102,928,511, plus strand): 5'-TCCTGGCTTCAGGAGCCGGATTCGGCGTCTCAGACGTGGGCTCGCACCTGGACTGTGGCG[CG>C]GGTGAGGCGGTCGGGCAGGGGCGGGGCTCTGGAAAGGCATGTTCAGGGGCGGGGACTGGA-3'